The following is an entry in ClinVar:

NM_175732.3(PTPMT1):c.174+42C>T

Gene: PTPMT1 (protein tyrosine phosphatase mitochondrial 1; plus strand). Cytogenetic location: 11p11.2.
Variant type: single nucleotide variant.
Coding change: c.174+42C>T on transcript NM_175732.3 (MANE Select); 42 bases into the intron after coding-DNA position 174, C replaced by T.
Molecular consequence: intron variant. On other transcripts: synonymous variant (1).
Genome position (GRCh38, 1-based): chr11:47,565,838, C>T. VCF-style: chr11-47565838-C-T. GRCh37 (hg19) VCF-style: chr11-47587390-C-T.
Other names: c.216C>T, p.Arg72= (NM_001143984.2).
Identifiers: ClinVar variation 4871993 (VCV004871993.2).

ClinVar aggregate classification (germline): Likely benign (1 of 4 stars; one submission).

Submission:

CeGaT Center for Human Genetics Tuebingen
Classification: Likely benign. Last evaluated: 2026-06-01. Review status: criteria provided, single submitter. Criteria: CeGaT Center For Human Genetics Tuebingen Variant Classification Criteria Version 2. Collection method: clinical testing. Allele origin: germline. Affected: yes. Observed: 1 variant allele.
Comment: PTPMT1: BP4, BP7